The following is an entry in ClinVar:

ClinVar aggregate classification (germline): Uncertain significance (1 of 4 stars; one submission).

Conditions:
Cardiovascular phenotype. Identifiers: MedGen CN230736.

Submission:

Ambry Genetics
Classification: Uncertain significance for Cardiovascular phenotype. Last evaluated: 2025-06-30. Review status: criteria provided, single submitter. Criteria: Ambry Variant Classification Scheme 2023. Collection method: clinical testing. Allele origin: germline.
Comment: The p.T188I variant (also known as c.563C>T), located in coding exon 4 of the DSP gene, results from a C to T substitution at nucleotide position 563. The threonine at codon 188 is replaced by isoleucine, an amino acid with similar properties. This amino acid position is conserved. In addition, this alteration is predicted to be deleterious by in silico analysis. Based on the available evidence, the clinical significance of this variant remains unclear.

NM_004415.4(DSP):c.563C>T (p.Thr188Ile)

Gene: DSP (desmoplakin; plus strand). Cytogenetic location: 6p24.3.
Variant type: single nucleotide variant.
Coding change: c.563C>T on transcript NM_004415.4 (MANE Select); coding-DNA position 563, C replaced by T.
Protein change: p.Thr188Ile; replaces threonine 188 with isoleucine.
Molecular consequence: missense variant.
Genome position (GRCh38, 1-based): chr6:7,559,366, C>T. VCF-style: chr6-7559366-C-T. GRCh37 (hg19) VCF-style: chr6-7559599-C-T.
Other names: c.563C>T, p.Thr188Ile (NM_001008844.3, NM_001319034.2, NM_001406591.1); short protein forms T188I.
Identifiers: ClinVar variation 4245110 (VCV004245110.1).